The following is an entry in ClinVar:

Conditions:
Long QT syndrome 5 (LQT5). Identifiers: Orphanet 101016, Orphanet 768, MedGen C1867904, MONDO:0013372, OMIM 613695.

Submission:

Roden Lab, Vanderbilt University Medical Center
No classification provided (evidence only). Condition: Long QT syndrome 5. Review status: no classification provided. Collection method: in vitro. Allele origin: not applicable. Functional consequence: Effect on ion channel function.
ClinVar note: "not provided" was previously submitted as the classification for the variant. However, the classification appeared to be based only on an observation of functional data so it was converted to no classification on 2025-07-30.

NM_000219.6(KCNE1):c.346G>C (p.Glu116Gln)

Gene: KCNE1 (potassium voltage-gated channel subfamily E regulatory subunit 1; minus strand). Cytogenetic location: 21q22.12.
Variant type: single nucleotide variant.
Coding change: c.346G>C on transcript NM_000219.6 (MANE Select); coding-DNA position 346, G replaced by C.
Protein change: p.Glu116Gln; replaces glutamic acid 116 with glutamine.
Molecular consequence: missense variant.
Genome position (GRCh38, 1-based): chr21:34,449,289, C>G on the plus strand (G>C on the coding strand, the complement: KCNE1 is on the minus strand). VCF-style: chr21-34449289-C-G. GRCh37 (hg19) VCF-style: chr21-35821587-C-G.
Other names: c.346G>C, p.Glu116Gln (NM_001127668.4, NM_001127669.4, NM_001127670.4 and 4 more transcripts); short protein forms E116Q.
Identifiers: ClinVar variation 3373784 (VCV003373784.2).